The following is an entry in ClinVar:

ClinVar aggregate classification (germline): Pathogenic (1 of 4 stars; one submission).

Conditions:
Tyrosinase-positive oculocutaneous albinism (OCA2). Also called: ALBINISM II; Oculocutaneous albinism type 2; Albinism, oculocutaneous, type II. Identifiers: Orphanet 79432, MedGen C0268495, MONDO:0008746, OMIM 203200.

Submission:

Myriad Genetics, Inc.
Classification: Pathogenic for Tyrosinase-positive oculocutaneous albinism. Last evaluated: 2025-11-06. Review status: criteria provided, single submitter. Criteria: Myriad Autosomal Dominant, Autosomal Recessive and X-Linked Classification Criteria (2023). Collection method: clinical testing. Allele origin: unknown.
Comment: NM_000275.2(OCA2):c.1783A>T(R595*) is expected to be pathogenic in the context of oculocutaneous albinism, OCA2-related. This variant is predicted to lead to an abnormal or absent protein product due to the creation of a premature termination codon in OCA2, a gene where loss-of-function variants are known to be pathogenic. Please note: this variant was assessed in the context of healthy population screening.

NM_000275.3(OCA2):c.1783A>T (p.Arg595Ter)

Gene: OCA2 (OCA2 melanosomal transmembrane protein; minus strand). Cytogenetic location: 15q13.1.
Variant type: single nucleotide variant.
Coding change: c.1783A>T on transcript NM_000275.3 (MANE Select); coding-DNA position 1783, A replaced by T.
Protein change: p.Arg595Ter; replaces arginine 595 with a stop codon.
Molecular consequence: nonsense.
Genome position (GRCh38, 1-based): chr15:27,957,589, T>A on the plus strand (A>T on the coding strand, the complement: OCA2 is on the minus strand). VCF-style: chr15-27957589-T-A. GRCh37 (hg19) VCF-style: chr15-28202735-T-A.
Other names: c.1711A>T, p.Arg571Ter (NM_001300984.2); short protein forms R571*, R595*.
Identifiers: ClinVar variation 5015175 (VCV005015175.1).
Genomic context (GRCh38, chr15:27,957,589, plus strand): 5'-GGCCCATGGAATGTTCTGCTGCACACCAAGCACAGTCTGAGCAGGACCCCGCCCGGTACC[T>A]GTGGAAGGTGTGCAGCCTCCGGGCGAGCAGGTGCTCCAGTGCCAGCACCTTCCCCAGCAG-3'